The following is an entry in ClinVar:

NM_001365276.2(TNXB):c.9394C>T (p.His3132Tyr)

Gene: TNXB (tenascin XB; minus strand). Cytogenetic location: 6p21.33.
Variant type: single nucleotide variant.
Coding change: c.9394C>T on transcript NM_001365276.2 (MANE Select); coding-DNA position 9394, C replaced by T.
Protein change: p.His3132Tyr; replaces histidine 3132 with tyrosine.
Molecular consequence: missense variant.
Genome position (GRCh38, 1-based): chr6:32,050,043, G>A on the plus strand (C>T on the coding strand, the complement: TNXB is on the minus strand). VCF-style: chr6-32050043-G-A. GRCh37 (hg19) VCF-style: chr6-32017820-G-A.
Other names: c.10135C>T, p.His3379Tyr (NM_001428335.1); c.9388C>T, p.His3130Tyr (NM_019105.8); short protein forms H3130Y, H3132Y, H3379Y.
Identifiers: ClinVar variation 3371595 (VCV003371595.1).

ClinVar aggregate classification (germline): Uncertain significance (1 of 4 stars; one submission).

Submission:

GeneDx
Classification: Uncertain significance. Last evaluated: 2024-03-28. Review status: criteria provided, single submitter. Criteria: GeneDx Variant Classification Process June 2021. Collection method: clinical testing. Allele origin: germline. Affected: yes.
Comment: Has not been previously published as pathogenic or benign to our knowledge; Not observed at significant frequency in large population cohorts (gnomAD); In silico analysis supports that this missense variant has a deleterious effect on protein structure/function